The following is an entry in ClinVar:

NM_144499.3(GNAT1):c.329T>A (p.Ile110Asn)

Gene: GNAT1 (G protein subunit alpha transducin 1; plus strand). Cytogenetic location: 3p21.31.
Variant type: single nucleotide variant.
Coding change: c.329T>A on transcript NM_144499.3 (MANE Select); coding-DNA position 329, T replaced by A.
Protein change: p.Ile110Asn; replaces isoleucine 110 with asparagine.
Molecular consequence: missense variant.
Genome position (GRCh38, 1-based): chr3:50,193,543, T>A. VCF-style: chr3-50193543-T-A. GRCh37 (hg19) VCF-style: chr3-50230976-T-A.
Other names: c.329T>A, p.Ile110Asn (NM_000172.4); short protein forms I110N.
Identifiers: ClinVar variation 953848 (VCV000953848.6), dbSNP rs756003441, ClinGen allele CA2412536.

ClinVar aggregate classification (germline): Uncertain significance (1 of 4 stars; one submission).

Allele frequency attached by ClinVar (database versions not stated): gnomAD exomes below 0.00001; ExAC 0.00001; gnomAD 0.00001.
gnomAD v4.1: 2 of 1,613,120 alleles (0.00012%); highest among the groups gnomAD compares: African/African-American, 0.0027%; no homozygotes.

Submission:

Labcorp Genetics (formerly Invitae), Labcorp
Classification: Uncertain significance. Last evaluated: 2022-10-18. Review status: criteria provided, single submitter. Criteria: Invitae Variant Classification Sherloc (09022015). Collection method: clinical testing. Allele origin: germline.
Comment: In summary, the available evidence is currently insufficient to determine the role of this variant in disease. Therefore, it has been classified as a Variant of Uncertain Significance. Advanced modeling of protein sequence and biophysical properties (such as structural, functional, and spatial information, amino acid conservation, physicochemical variation, residue mobility, and thermodynamic stability) performed at Invitae indicates that this missense variant is not expected to disrupt GNAT1 protein function. ClinVar contains an entry for this variant (Variation ID: 953848). This variant has not been reported in the literature in individuals affected with GNAT1-related conditions. This variant is present in population databases (rs756003441, gnomAD 0.007%). This sequence change replaces isoleucine, which is neutral and non-polar, with asparagine, which is neutral and polar, at codon 110 of the GNAT1 protein (p.Ile110Asn).